The following is an entry in ClinVar:

ClinVar aggregate classification (germline): Likely benign. Review status: criteria provided, multiple submitters, no conflicts (2 of 4 stars). 3 submissions from 3 submitters: Likely benign (2). 1 of the submissions does not count toward it. Last evaluated 2026-01-24.

Conditions:
TCF3-related disorder. Also called: TCF3-related condition.

gnomAD v4.1: 100 of 1,600,894 alleles (0.0062%); highest among the groups gnomAD compares: Non-Finnish European, 0.0078%; no homozygotes.

Submissions (3):

Labcorp Genetics (formerly Invitae), Labcorp
Classification: Likely benign. Last evaluated: 2026-01-24. Review status: criteria provided, single submitter. Criteria: Invitae Variant Classification Sherloc (09022015). Collection method: clinical testing. Allele origin: germline.

Blueprint Genetics
Classification: Likely benign. Last evaluated: 2024-05-27. Review status: criteria provided, single submitter. Criteria: ACMG Guidelines, 2015. Collection method: clinical testing. Allele origin: germline.

PreventionGenetics, part of Exact Sciences
Classification: Likely benign for TCF3-related condition. Last evaluated: 2019-08-06. Review status: no assertion criteria provided. Collection method: clinical testing. Allele origin: germline. Not counted in ClinVar's aggregate classification.
Comment: This variant is classified as likely benign based on ACMG/AMP sequence variant interpretation guidelines (Richards et al. 2015 PMID: 25741868, with internal and published modifications).

NM_003200.5(TCF3):c.888C>G (p.Ala296=)

Gene: TCF3 (transcription factor 3; minus strand). Cytogenetic location: 19p13.3.
Variant type: single nucleotide variant.
Coding change: c.888C>G on transcript NM_003200.5 (MANE Select); coding-DNA position 888, C replaced by G.
Protein change: p.Ala296=; no amino-acid change (alanine 296 retained).
Molecular consequence: synonymous variant.
Genome position (GRCh38, 1-based): chr19:1,621,905, G>C on the plus strand (C>G on the coding strand, the complement: TCF3 is on the minus strand). VCF-style: chr19-1621905-G-C. GRCh37 (hg19) VCF-style: chr19-1621904-G-C.
Other names: c.888C>G, p.Ala296= (NM_001136139.4, NM_001351778.2, NM_001351779.2); c.888C>G (NM_003200.3).
Identifiers: ClinVar variation 1523239 (VCV001523239.11), dbSNP rs34203855, ClinGen allele CA9050184.
Genomic context (GRCh38, chr19:1,621,905, plus strand): 5'-GCTGTCGGCCCCGCTGACAGGCGGCGTGTGGCTGGAGACGCCGCCGTACGTGGCTCCGGG[G>C]GCTGAGGAGAAGGAGGATGCAGATGGGAGCCCACCGTTCACCTCTGCTCCATGCAGCTGG-3'
Protein context (NP_003191.1, residues 286-306): GLPSASSFSS[Ala296=]PGATYGGVSS